The following is an entry in ClinVar:

ClinVar aggregate classification (germline): Uncertain significance (1 of 4 stars; one submission).

gnomAD v4.1: 3 of 1,611,354 alleles (0.00019%); highest among the groups gnomAD compares: East Asian, 0.0023%; no homozygotes.

Submission:

GeneDx
Classification: Uncertain significance. Last evaluated: 2024-04-14. Review status: criteria provided, single submitter. Criteria: GeneDx Variant Classification Process June 2021. Collection method: clinical testing. Allele origin: germline. Affected: yes.
Comment: Not observed at significant frequency in large population cohorts (gnomAD); In silico analysis indicates that this missense variant does not alter protein structure/function; Has not been previously published as pathogenic or benign to our knowledge

NM_001369387.1(GNAL):c.32C>T (p.Thr11Met)

Gene: GNAL (G protein subunit alpha L; plus strand). Cytogenetic location: 18p11.21.
Variant type: single nucleotide variant.
Coding change: c.32C>T on transcript NM_001369387.1 (MANE Plus Clinical); coding-DNA position 32, C replaced by T.
Protein change: p.Thr11Met; replaces threonine 11 with methionine.
Molecular consequence: missense variant. On other transcripts: intron variant (1).
Genome position (GRCh38, 1-based): chr18:11,752,465, C>T. VCF-style: chr18-11752465-C-T. GRCh37 (hg19) VCF-style: chr18-11752464-C-T.
Other names: c.32C>T, p.Thr11Met (NM_001142339.3, NM_001261443.2); c.377-388C>T (NM_182978.4); short protein forms T11M.
Identifiers: ClinVar variation 3372376 (VCV003372376.1).